The following is an entry in ClinVar:

ClinVar aggregate classification (germline): Uncertain significance. Review status: criteria provided, multiple submitters, no conflicts (2 of 4 stars). 2 submissions from 2 submitters: Uncertain significance (2). Last evaluated 2025-07-18.

Conditions:
Mosaic variegated aneuploidy syndrome 1 (MVA1). Also called: Warburton-Anyane-Yeboa syndrome. Identifiers: Orphanet 1052, MedGen C1850343, MONDO:0009759, OMIM 257300.
Inborn genetic diseases. Identifiers: MedGen C0950123, MeSH D030342.

Submissions (2):

Ambry Genetics
Classification: Uncertain significance for Inborn genetic diseases. Last evaluated: 2025-07-18. Review status: criteria provided, single submitter. Criteria: Ambry Variant Classification Scheme 2023. Collection method: clinical testing. Allele origin: germline.
Comment: The p.L55P variant (also known as c.164T>C), located in coding exon 2 of the BUB1B gene, results from a T to C substitution at nucleotide position 164. The leucine at codon 55 is replaced by proline, an amino acid with similar properties. This amino acid position is conserved. In addition, the in silico prediction for this alteration is inconclusive. Based on the available evidence, the clinical significance of this variant remains unclear.

Labcorp Genetics (formerly Invitae), Labcorp
Classification: Uncertain significance for Mosaic variegated aneuploidy syndrome 1. Last evaluated: 2022-03-24. Review status: criteria provided, single submitter. Criteria: Invitae Variant Classification Sherloc (09022015). Collection method: clinical testing. Allele origin: germline.
Comment: In summary, the available evidence is currently insufficient to determine the role of this variant in disease. Therefore, it has been classified as a Variant of Uncertain Significance. Algorithms developed to predict the effect of missense changes on protein structure and function are either unavailable or do not agree on the potential impact of this missense change (SIFT: "Deleterious"; PolyPhen-2: "Probably Damaging"; Align-GVGD: "Class C0"). This variant has not been reported in the literature in individuals affected with BUB1B-related conditions. This variant is not present in population databases (gnomAD no frequency). This sequence change replaces leucine, which is neutral and non-polar, with proline, which is neutral and non-polar, at codon 55 of the BUB1B protein (p.Leu55Pro).

NM_001211.6(BUB1B):c.164T>C (p.Leu55Pro)

Gene: BUB1B (BUB1 mitotic checkpoint serine/threonine kinase B; plus strand). Cytogenetic location: 15q15.1.
Variant type: single nucleotide variant.
Coding change: c.164T>C on transcript NM_001211.6 (MANE Select); coding-DNA position 164, T replaced by C.
Protein change: p.Leu55Pro; replaces leucine 55 with proline.
Molecular consequence: missense variant.
Genome position (GRCh38, 1-based): chr15:40,165,181, T>C. VCF-style: chr15-40165181-T-C. GRCh37 (hg19) VCF-style: chr15-40457382-T-C.
Other names: c.164T>C (NM_001211.5); short protein forms L55P.
Identifiers: ClinVar variation 1370164 (VCV001370164.9), dbSNP rs1221553263, ClinGen allele CA391677306.